The following is an entry in ClinVar:

ClinVar aggregate classification (germline): Likely benign. Review status: criteria provided, multiple submitters, no conflicts (2 of 4 stars). 2 submissions from 2 submitters: Likely benign (2). Last evaluated 2022-05-01.

Submissions (2):

CeGaT Center for Human Genetics Tuebingen
Classification: Likely benign. Last evaluated: 2022-05-01. Review status: criteria provided, single submitter. Criteria: CeGaT Center For Human Genetics Tuebingen Variant Classification Criteria Version 2. Collection method: clinical testing. Allele origin: germline. Affected: yes. Observed: 1 variant allele.
Comment: SURF1: PM2:Supporting, BP4, BP7

Women's Health and Genetics/Laboratory Corporation of America, LabCorp
Classification: Likely benign. Last evaluated: 2019-08-29. Review status: criteria provided, single submitter. Criteria: LabCorp Variant Classification Summary - May 2015. Collection method: clinical testing. Allele origin: germline.

NM_003172.4(SURF1):c.15T>G (p.Ala5=)

Gene: SURF1 (SURF1 cytochrome c oxidase assembly factor; minus strand). Cytogenetic location: 9q34.2.
Variant type: single nucleotide variant.
Coding change: c.15T>G on transcript NM_003172.4 (MANE Select); coding-DNA position 15, T replaced by G.
Protein change: p.Ala5=; no amino-acid change (alanine 5 retained).
Molecular consequence: synonymous variant. On other transcripts: 5 prime UTR variant (1).
Genome position (GRCh38, 1-based): chr9:133,356,439, A>C on the plus strand (T>G on the coding strand, the complement: SURF1 is on the minus strand). VCF-style: chr9-133356439-A-C. GRCh37 (hg19) VCF-style: chr9-136223315-A-C.
Other names: c.-261T>G (NM_001280787.1).
Identifiers: ClinVar variation 633442 (VCV000633442.24), dbSNP rs1180014887, ClinGen allele CA913190176.